The following is an entry in ClinVar:

NM_000271.5(NPC1):c.2309T>C (p.Ile770Thr)

Gene: NPC1 (NPC intracellular cholesterol transporter 1; minus strand). Cytogenetic location: 18q11.2.
Variant type: single nucleotide variant.
Coding change: c.2309T>C on transcript NM_000271.5 (MANE Select); coding-DNA position 2309, T replaced by C.
Protein change: p.Ile770Thr; replaces isoleucine 770 with threonine.
Molecular consequence: missense variant.
Genome position (GRCh38, 1-based): chr18:23,541,370, A>G on the plus strand (T>C on the coding strand, the complement: NPC1 is on the minus strand). VCF-style: chr18-23541370-A-G. GRCh37 (hg19) VCF-style: chr18-21121334-A-G.
Other names: short protein forms I770T.
Identifiers: ClinVar variation 1479993 (VCV001479993.3), dbSNP rs2145382914, ClinGen allele CA401793718.
Genomic context (GRCh38, chr18:23,541,370, plus strand): 5'-TGACGTTTAATGTCTAACCCCAAGAGACTCACGAAACAGGTAATCTGCAGAAGAAAGTCA[A>G]TGAAGACTGCCAATCCCGCAAAGAGAGAGAAGGTGTGCACGGCTGGCATCACGGACAATG-3'
Protein context (NP_000262.2, residues 760-780): FSLFAGLAVF[Ile770Thr]DFLLQITCFV

ClinVar aggregate classification (germline): Uncertain significance (1 of 4 stars; one submission).

Conditions:
Niemann-Pick disease, type C1. Also called: NEUROVISCERAL STORAGE DISEASE WITH VERTICAL SUPRANUCLEAR OPHTHALMOPLEGIA; NIEMANN-PICK DISEASE WITH CHOLESTEROL ESTERIFICATION BLOCK; NIEMANN-PICK DISEASE WITHOUT SPHINGOMYELINASE DEFICIENCY; NIEMANN-PICK DISEASE, CHRONIC NEURONOPATHIC FORM; NIEMANN-PICK DISEASE, VARIANT TYPE C1. Identifiers: Orphanet 646, MedGen C3179455, MONDO:0009757, OMIM 257220.

Allele frequency attached by ClinVar (database versions not stated): gnomAD exomes below 0.00001.
gnomAD v4.1: 1 of 1,614,254 alleles (0.000062%); highest among the groups gnomAD compares: Admixed American, 0.0017%; no homozygotes.

Submission:

Labcorp Genetics (formerly Invitae), Labcorp
Classification: Uncertain significance for Niemann-Pick disease, type C1. Last evaluated: 2021-12-03. Review status: criteria provided, single submitter. Criteria: Invitae Variant Classification Sherloc (09022015). Collection method: clinical testing. Allele origin: germline.
Comment: This sequence change replaces isoleucine, which is neutral and non-polar, with threonine, which is neutral and polar, at codon 770 of the NPC1 protein (p.Ile770Thr). This variant is not present in population databases (gnomAD no frequency). This variant has not been reported in the literature in individuals affected with NPC1-related conditions. Advanced modeling of protein sequence and biophysical properties (such as structural, functional, and spatial information, amino acid conservation, physicochemical variation, residue mobility, and thermodynamic stability) performed at Invitae indicates that this missense variant is expected to disrupt NPC1 protein function. In summary, the available evidence is currently insufficient to determine the role of this variant in disease. Therefore, it has been classified as a Variant of Uncertain Significance.